The following is an entry in ClinVar:

NM_002936.6(RNASEH1):c.245-118_245-115del

Gene: RNASEH1 (ribonuclease H1; minus strand). Cytogenetic location: 2p25.3.
Variant type: Microsatellite.
Coding change: c.245-118_245-115del on transcript NM_002936.6 (MANE Select); 118 bases into the intron before coding-DNA position 245 through 115 bases into the intron before coding-DNA position 245, 4 bases deleted (AGAG; older notation c.245-118_245-115delAGAG).
Molecular consequence: intron variant.
Genome position (GRCh38, 1-based): chr2:3,552,423-3,552,426, CTCT deleted on the plus strand (AGAG on the coding strand, the reverse complement: RNASEH1 is on the minus strand); deleting any 4 consecutive bases within chr2:3,552,423-3,552,428 gives the same sequence; the c. name uses the placement nearest the transcript's 3' end. VCF-style (leftmost placement, unchanged base first): chr2-3552422-CCTCT-C. GRCh37 (hg19) VCF-style: chr2-3600012-CCTCT-C.
Other names: c.245-118_245-115del (NM_001378272.1, NM_001378273.1, NM_001378271.1); c.167-118_167-115del (NM_001286834.3); c.-107-118_-107-115del (NM_001286837.3).
Identifiers: ClinVar variation 669562 (VCV000669562.1), dbSNP rs151141402, ClinGen allele CA41525865.

ClinVar aggregate classification (germline): Benign (1 of 4 stars; one submission).

Submission:

GeneDx
Classification: Benign. Last evaluated: 2018-06-14. Review status: criteria provided, single submitter. Criteria: GeneDx Variant Classification (06012015). Collection method: clinical testing. Allele origin: germline. Affected: yes.
Comment: This variant is considered likely benign or benign based on one or more of the following criteria: it is a conservative change, it occurs at a poorly conserved position in the protein, it is predicted to be benign by multiple in silico algorithms, and/or has population frequency not consistent with disease.